The following is an entry in ClinVar:

NM_000719.7(CACNA1C):c.6158C>T (p.Pro2053Leu)

Genes: CACNA1C (calcium voltage-gated channel subunit alpha1 C; plus strand), CACNA1C-AS1 (CACNA1C antisense RNA 1; minus strand). Cytogenetic location: 12p13.33.
Variant type: single nucleotide variant.
Coding change: c.6158C>T on transcript NM_000719.7 (MANE Select); coding-DNA position 6158, C replaced by T.
Protein change: p.Pro2053Leu; replaces proline 2053 with leucine.
Molecular consequence: missense variant. On other transcripts: non-coding transcript variant (1).
Genome position (GRCh38, 1-based): chr12:2,690,940, C>T. VCF-style: chr12-2690940-C-T. GRCh37 (hg19) VCF-style: chr12-2800106-C-T.
Other names: c.6302C>T, p.Pro2101Leu (NM_001129827.2); c.6281C>T, p.Pro2094Leu (NM_001129829.2); c.6263C>T, p.Pro2088Leu (NM_001129830.3, NM_001167624.3); c.6242C>T, p.Pro2081Leu (NM_001129831.2); c.6218C>T, p.Pro2073Leu (NM_001129832.2); c.6215C>T, p.Pro2072Leu (NM_001129833.2, NM_001129834.2, NM_001129835.2); c.6209C>T, p.Pro2070Leu (NM_001129836.2); c.6182C>T, p.Pro2061Leu (NM_001129837.2, NM_001129838.2); and 7 more; short protein forms P2061L, P2072L, P2101L, P2042L, P2059L, P2073L, P2088L, P2050L.
Identifiers: ClinVar variation 1362090 (VCV001362090.9), dbSNP rs2097778560, ClinGen allele CA383386191.

ClinVar aggregate classification (germline): Uncertain significance. Review status: criteria provided, single submitter (1 of 4 stars). 2 submissions from 2 submitters: Uncertain significance (1). 1 of the submissions does not count toward it. Last evaluated 2025-12-08.

Conditions:
Long QT syndrome (LQTS). Identifiers: MedGen C0023976, MeSH D008133, MONDO:0002442. Disease mechanism: loss of function. Inheritance: Various modes of inheritance.
CACNA1C-related disorder. Also called: CACNA1C-related disorders; CACNA1C-related condition. Identifiers: MedGen CN381092, MONDO:0700321.

Allele frequency attached by ClinVar (database versions not stated): TOPMed below 0.00001.

Submissions (2):

Labcorp Genetics (formerly Invitae), Labcorp
Classification: Uncertain significance for Long QT syndrome. Last evaluated: 2025-12-08. Review status: criteria provided, single submitter. Criteria: Invitae Variant Classification Sherloc (09022015). Collection method: clinical testing. Allele origin: germline.
Comment: This sequence change replaces proline, which is neutral and non-polar, with leucine, which is neutral and non-polar, at codon 2053 of the CACNA1C protein (p.Pro2053Leu). This variant is not present in population databases (gnomAD no frequency). This variant has not been reported in the literature in individuals affected with CACNA1C-related conditions. ClinVar contains an entry for this variant (Variation ID: 1362090). Invitae Evidence Modeling of protein sequence and biophysical properties (such as structural, functional, and spatial information, amino acid conservation, physicochemical variation, residue mobility, and thermodynamic stability) indicates that this missense variant is not expected to disrupt CACNA1C protein function with a negative predictive value of 95%. In summary, the available evidence is currently insufficient to determine the role of this variant in disease. Therefore, it has been classified as a Variant of Uncertain Significance.

PreventionGenetics, part of Exact Sciences
Classification: Uncertain significance for CACNA1C-related condition. Last evaluated: 2024-09-23. Review status: no assertion criteria provided. Collection method: clinical testing. Allele origin: germline. Not counted in ClinVar's aggregate classification.
Comment: The CACNA1C c.6158C>T variant is predicted to result in the amino acid substitution p.Pro2053Leu. To our knowledge, this variant has not been reported in the literature or in gnomAD, indicating this variant is rare. At this time, the clinical significance of this variant is uncertain due to the absence of conclusive functional and genetic evidence.